The following is an entry in ClinVar:

ClinVar aggregate classification (germline): Benign/Likely benign. Review status: criteria provided, multiple submitters, no conflicts (2 of 4 stars). 8 submissions from 8 submitters: Benign (6); Likely benign (2). Last evaluated 2026-04-09.

Conditions:
Aicardi-Goutieres syndrome 2. Identifiers: Orphanet 51, MedGen C3489724, MONDO:0012429, OMIM 610181.

Allele frequency attached by ClinVar (database versions not stated): gnomAD exomes 0.00186; ExAC 0.00254; gnomAD 0.00663 and 0.00705; TOPMed 0.00783; ESP Exome Variant Server 0.00838; 1000 Genomes Project 0.00899; 1000 Genomes Project 30x 0.01031.
gnomAD v4.1: 1,975 of 1,563,916 alleles (0.13%); highest among the groups gnomAD compares: African/African-American, 2.4%; 24 homozygotes.

Submissions (12):

Women's Health and Genetics/Laboratory Corporation of America, LabCorp
Classification: Benign. Last evaluated: 2026-04-09. Review status: criteria provided, single submitter. Criteria: LabCorp Variant Classification Summary - May 2015. Collection method: clinical testing. Allele origin: germline.
Comment: Variant summary: RNASEH2B c.822+6T>C alters a conserved nucleotide located close to a canonical splice site and therefore could affect mRNA splicing, leading to a significantly altered protein sequence. Consensus agreement among computation tools predict no significant impact on normal splicing. However, these predictions have yet to be confirmed by functional studies. The variant allele was found at a frequency of 0.0019 in 249436 control chromosomes, predominantly at a frequency of 0.025 within the African or African-American subpopulation in the gnomAD database, including 3 homozygotes. The observed variant frequency within African or African-American control individuals in the gnomAD database exceeds the estimated maximal expected allele frequency for disease-causing variants in RNASEH2B. To our knowledge, no occurrence of c.822+6T>C in individuals affected with RNASEH2B-related conditions and no experimental evidence demonstrating its impact on protein function have been reported. ClinVar contains an entry for this variant (Variation ID: 312333). Based on the evidence outlined above, the variant was classified as benign.

Labcorp Genetics (formerly Invitae), Labcorp
Classification: Benign for Aicardi-Goutieres syndrome 2. Last evaluated: 2026-02-02. Review status: criteria provided, single submitter. Criteria: Invitae Variant Classification Sherloc (09022015). Collection method: clinical testing. Allele origin: germline.

Mayo Clinic Laboratories, Mayo Clinic
Classification: Benign. Last evaluated: 2025-05-22. Review status: criteria provided, single submitter. Criteria: ACMG Guidelines, 2015. Collection method: clinical testing. Allele origin: germline. Observed: 1 variant allele.
Comment: BA1, BS2

ARUP Laboratories, Molecular Genetics and Genomics, ARUP Laboratories
Classification: Benign for Aicardi-Goutieres syndrome 2. Last evaluated: 2024-03-04. Review status: criteria provided, single submitter. Criteria: ARUP Molecular Germline Variant Investigation Process 2024. Collection method: clinical testing. Allele origin: germline.

Athena Diagnostics
Classification: Benign. Last evaluated: 2023-10-27. Review status: criteria provided, single submitter. Criteria: Athena Diagnostics Criteria. Collection method: clinical testing. Allele origin: unknown.

GeneDx
Classification: Likely benign. Last evaluated: 2021-04-16. Review status: criteria provided, single submitter. Criteria: GeneDx Variant Classification Process June 2021. Collection method: clinical testing. Allele origin: germline. Affected: yes.

Illumina Laboratory Services, Illumina
Classification: Benign for Aicardi-Goutieres syndrome 2. Last evaluated: 2018-01-12. Review status: criteria provided, single submitter. Criteria: ICSL Variant Classification Criteria 13 December 2019. Collection method: clinical testing. Allele origin: germline.
Comment: This variant was observed in the ICSL laboratory as part of a predisposition screen in an ostensibly healthy population. It had not been previously curated by ICSL or reported in the Human Gene Mutation Database (HGMD: prior to June 1st, 2018), and was therefore a candidate for classification through an automated scoring system. Utilizing variant allele frequency, disease prevalence and penetrance estimates, and inheritance mode, an automated score was calculated to assess if this variant is too frequent to cause the disease. Based on the score and internal cut-off values, a variant classified as benign is not then subjected to further curation. The score for this variant resulted in a classification of benign for this disease.

Breakthrough Genomics
Classification: Likely benign. Review status: criteria provided, single submitter. Criteria: ACMG Guidelines, 2015. Collection method: not provided. Allele origin: germline. Inheritance: Autosomal recessive inheritance. Affected: yes.

Dr. Peter K. Rogan Lab, Western University
No classification provided (evidence only). Condition: Uterine corpus endometrial carcinoma. Review status: no classification provided. Collection method: in vitro. Allele origin: not applicable. Functional consequence: skipped exon. Not counted in ClinVar's aggregate classification.

Dr. Peter K. Rogan Lab, Western University
No classification provided (evidence only). Condition: Sarcoma. Review status: no classification provided. Collection method: in vitro. Allele origin: not applicable. Functional consequence: skipped exon. Not counted in ClinVar's aggregate classification.

Dr. Peter K. Rogan Lab, Western University
No classification provided (evidence only). Condition: Thymoma. Review status: no classification provided. Collection method: in vitro. Allele origin: not applicable. Functional consequence: skipped exon. Not counted in ClinVar's aggregate classification.

Dr. Peter K. Rogan Lab, Western University
No classification provided (evidence only). Condition: Ovarian serous cystadenocarcinoma. Review status: no classification provided. Collection method: in vitro. Allele origin: not applicable. Functional consequence: retained intron. Not counted in ClinVar's aggregate classification.

NM_024570.4(RNASEH2B):c.822+6T>C

Gene: RNASEH2B (ribonuclease H2 subunit B; plus strand). Cytogenetic location: 13q14.3.
Variant type: single nucleotide variant.
Coding change: c.822+6T>C on transcript NM_024570.4 (MANE Select); 6 bases into the intron after coding-DNA position 822, T replaced by C.
Molecular consequence: intron variant.
Genome position (GRCh38, 1-based): chr13:50,953,991, T>C. VCF-style: chr13-50953991-T-C. GRCh37 (hg19) VCF-style: chr13-51528127-T-C.
Other names: p.?; c.741+4486T>C (NM_001142279.2).
Identifiers: ClinVar variation 312333 (VCV000312333.24), dbSNP rs76413207, ClinGen allele CA6985713.